The following is an entry in ClinVar:

ClinVar aggregate classification (germline): Uncertain significance (1 of 4 stars; one submission).

Conditions:
Medulloblastoma (MDB). Also called: MEDULLOBLASTOMA PREDISPOSITION SYNDROME; Medulloblastoma, somatic. Identifiers: Orphanet 616, MedGen C0025149, MeSH D008527, MONDO:0007959, OMIM 155255, HP:0002885.
Gorlin syndrome. Also called: Nevoid Basal Cell Carcinoma Syndrome; Basal cell nevus syndrome. Identifiers: Orphanet 377, MedGen C0004779, MONDO:0007187.

Submission:

Labcorp Genetics (formerly Invitae), Labcorp
Classification: Uncertain significance for Gorlin syndrome; Medulloblastoma. Last evaluated: 2023-02-23. Review status: criteria provided, single submitter. Criteria: Invitae Variant Classification Sherloc (09022015). Collection method: clinical testing. Allele origin: germline.
Comment: In summary, the available evidence is currently insufficient to determine the role of this variant in disease. Therefore, it has been classified as a Variant of Uncertain Significance. Advanced modeling of protein sequence and biophysical properties (such as structural, functional, and spatial information, amino acid conservation, physicochemical variation, residue mobility, and thermodynamic stability) performed at Invitae indicates that this missense variant is not expected to disrupt SUFU protein function. This variant has not been reported in the literature in individuals affected with SUFU-related conditions. This variant is not present in population databases (gnomAD no frequency). This sequence change replaces alanine, which is neutral and non-polar, with serine, which is neutral and polar, at codon 418 of the SUFU protein (p.Ala418Ser).

NM_016169.4(SUFU):c.1252G>T (p.Ala418Ser)

Gene: SUFU (SUFU negative regulator of hedgehog signaling; plus strand). Cytogenetic location: 10q24.32.
Variant type: single nucleotide variant.
Coding change: c.1252G>T on transcript NM_016169.4 (MANE Select); coding-DNA position 1252, G replaced by T.
Protein change: p.Ala418Ser; replaces alanine 418 with serine.
Molecular consequence: missense variant.
Genome position (GRCh38, 1-based): chr10:102,617,384, G>T. VCF-style: chr10-102617384-G-T. GRCh37 (hg19) VCF-style: chr10-104377141-G-T.
Other names: c.1252G>T, p.Ala418Ser (NM_001178133.2); short protein forms A418S.
Identifiers: ClinVar variation 2930409 (VCV002930409.3), dbSNP rs2063698088, ClinGen allele CA377916611.
Genomic context (GRCh38, chr10:102,617,384, plus strand): 5'-AAAAGTATCACAGGTGACATGGCCATCACGTTTGTCTCCACGGGAGTGGAAGGCGCCTTT[G>T]CCACTGAGGAGCATCCTTACGCGGCTCATGGACCCTGGTTACAAGTGAGAAGGCCCTTTT-3'
Protein context (NP_057253.2, residues 408-428): FVSTGVEGAF[Ala418Ser]TEEHPYAAHG